The following is an entry in ClinVar:

NM_006648.4(WNK2):c.6235T>C (p.Cys2079Arg)

Gene: WNK2 (WNK lysine deficient protein kinase 2; plus strand). Cytogenetic location: 9q22.31.
Variant type: single nucleotide variant.
Coding change: c.6235T>C on transcript NM_006648.4 (MANE Select); coding-DNA position 6235, T replaced by C.
Protein change: p.Cys2079Arg; replaces cysteine 2079 with arginine.
Molecular consequence: missense variant.
Genome position (GRCh38, 1-based): chr9:93,306,797, T>C. VCF-style: chr9-93306797-T-C. GRCh37 (hg19) VCF-style: chr9-96069079-T-C.
Other names: c.6346T>C, p.Cys2116Arg (NM_001282394.3); short protein forms C2079R, C2116R.
Identifiers: ClinVar variation 3981897 (VCV003981897.1).
Genomic context (GRCh38, chr9:93,306,797, plus strand): 5'-CTAACCCTGTGGTCTTGTGTCGTTTCTTTTTCCCTTGCAGGGTCTGCCCTGAAGCGTCTC[T>C]GCCTAGGCAAAGAACACAGCAGTAGTAATTATCCGGGTTTTTTCCCCTTTGTCCTCTCTC-3'
Protein context (NP_006639.3, residues 2069-2089): VSIWSALKRL[Cys2079Arg]LGKEHSSRSS

ClinVar aggregate classification (germline): Uncertain significance (1 of 4 stars; one submission).

Submission:

Ambry Genetics
Classification: Uncertain significance. Last evaluated: 2025-04-17. Review status: criteria provided, single submitter. Criteria: Ambry Variant Classification Scheme 2023. Collection method: clinical testing. Allele origin: germline.
Comment: The p.C2079R variant (also known as c.6235T>C), located in coding exon 26 of the WNK2 gene, results from a T to C substitution at nucleotide position 6235. The cysteine at codon 2079 is replaced by arginine, an amino acid with highly dissimilar properties. This amino acid position is conserved. In addition, this alteration is predicted to be deleterious by in silico analysis. Based on the available evidence, the clinical significance of this variant remains unclear.